The following is an entry in ClinVar:

ClinVar aggregate classification (germline): Uncertain significance (1 of 4 stars; one submission).

Conditions:
Joubert syndrome. Also called: CEREBELLOPARENCHYMAL DISORDER IV; JOUBERT-BOLTSHAUSER SYNDROME; Familial aplasia of the vermis. Identifiers: Orphanet 475, MedGen C5979921, MONDO:0018772.
Meckel-Gruber syndrome. Also called: DYSENCEPHALIA SPLANCHNOCYSTICA; GRUBER SYNDROME; Dysencephalia splachnocystica. Identifiers: Orphanet 564, MedGen C0265215, MONDO:0018921.
Nephronophthisis. Also called: Juvenile Nephronophthisis. Identifiers: Orphanet 655, MedGen C0687120, MONDO:0019005, HP:0000090.

Allele frequency attached by ClinVar (database versions not stated): ExAC 0.00001; gnomAD 0.00001; TOPMed 0.00002.
gnomAD v4.1: 4 of 1,538,186 alleles (0.00026%); highest among the groups gnomAD compares: African/African-American, 0.0043%; no homozygotes.

Submission:

Labcorp Genetics (formerly Invitae), Labcorp
Classification: Uncertain significance for Joubert syndrome; Meckel-Gruber syndrome; Nephronophthisis. Last evaluated: 2024-02-17. Review status: criteria provided, single submitter. Criteria: Invitae Variant Classification Sherloc (09022015). Collection method: clinical testing. Allele origin: germline.
Comment: This sequence change replaces glutamic acid, which is acidic and polar, with valine, which is neutral and non-polar, at codon 297 of the CEP290 protein (p.Glu297Val). This variant is present in population databases (rs765404668, gnomAD 0.009%). This variant has not been reported in the literature in individuals affected with CEP290-related conditions. ClinVar contains an entry for this variant (Variation ID: 1923155). Advanced modeling of protein sequence and biophysical properties (such as structural, functional, and spatial information, amino acid conservation, physicochemical variation, residue mobility, and thermodynamic stability) has been performed at Invitae for this missense variant, however the output from this modeling did not meet the statistical confidence thresholds required to predict the impact of this variant on CEP290 protein function. In summary, the available evidence is currently insufficient to determine the role of this variant in disease. Therefore, it has been classified as a Variant of Uncertain Significance.

NM_025114.4(CEP290):c.890A>T (p.Glu297Val)

Gene: CEP290 (centrosomal protein 290; minus strand). Cytogenetic location: 12q21.32.
Variant type: single nucleotide variant.
Coding change: c.890A>T on transcript NM_025114.4 (MANE Select); coding-DNA position 890, A replaced by T.
Protein change: p.Glu297Val; replaces glutamic acid 297 with valine.
Molecular consequence: missense variant.
Genome position (GRCh38, 1-based): chr12:88,128,998, T>A on the plus strand (A>T on the coding strand, the complement: CEP290 is on the minus strand). VCF-style: chr12-88128998-T-A. GRCh37 (hg19) VCF-style: chr12-88522775-T-A.
Other names: short protein forms E297V.
Identifiers: ClinVar variation 1923155 (VCV001923155.3), dbSNP rs765404668, ClinGen allele CA6712679.